The following is an entry in ClinVar:

ClinVar aggregate classification (germline): Likely benign (1 of 4 stars; one submission).

gnomAD v4.1: 35 of 1,598,996 alleles (0.0022%); highest among the groups gnomAD compares: Non-Finnish European, 0.0029%; no homozygotes.

Submission:

CeGaT Center for Human Genetics Tuebingen
Classification: Likely benign. Last evaluated: 2025-01-01. Review status: criteria provided, single submitter. Criteria: CeGaT Center For Human Genetics Tuebingen Variant Classification Criteria Version 2. Collection method: clinical testing. Allele origin: germline. Affected: yes. Observed: 1 variant allele.
Comment: NBEA: BP4, BS2

NM_001385012.1(NBEA):c.2146-6A>C

Gene: NBEA (neurobeachin; plus strand). Cytogenetic location: 13q13.3.
Variant type: single nucleotide variant.
Coding change: c.2146-6A>C on transcript NM_001385012.1 (MANE Select); 6 bases into the intron before coding-DNA position 2146, A replaced by C.
Molecular consequence: intron variant.
Genome position (GRCh38, 1-based): chr13:35,118,371, A>C. VCF-style: chr13-35118371-A-C. GRCh37 (hg19) VCF-style: chr13-35692508-A-C.
Other names: c.2146-6A>C (NM_015678.5, NM_001379245.1).
Identifiers: ClinVar variation 3342002 (VCV003342002.16).